The following is an entry in ClinVar:

ClinVar aggregate classification (germline): Conflicting classifications of pathogenicity. Review status: criteria provided, conflicting classifications (1 of 4 stars). 5 submissions from 5 submitters: Uncertain significance (4); Likely benign (1). Last evaluated 2026-03-16.

Conditions:
Familial thoracic aortic aneurysm and aortic dissection (TAAD). Also called: Thoracic aortic aneurysms and dissections. Identifiers: Orphanet 91387, MedGen C4707243, MONDO:0019625.
Aortic aneurysm, familial thoracic 7 (AAT7). Also called: AORTIC DISSECTION, FAMILIAL, WITH OR WITHOUT AORTIC ANEURYSM. Identifiers: MedGen C3151077, MONDO:0013418, OMIM 613780.

Allele frequency attached by ClinVar (database versions not stated): ExAC 0.00003; gnomAD 0.00003; TOPMed 0.00003; gnomAD exomes 0.00004.
gnomAD v4.1: 60 of 1,614,086 alleles (0.0037%); highest among the groups gnomAD compares: Non-Finnish European, 0.0047%; no homozygotes.

Submissions (5):

Women's Health and Genetics/Laboratory Corporation of America, LabCorp
Classification: Uncertain significance. Last evaluated: 2026-03-16. Review status: criteria provided, single submitter. Criteria: LabCorp Variant Classification Summary - May 2015. Collection method: clinical testing. Allele origin: germline.
Comment: Variant summary: MYLK c.4343A>T (p.Asp1448Val) results in a non-conservative amino acid change in the encoded protein sequence. Algorithms developed to predict the effect of missense changes on protein structure and function are either unavailable or do not agree on the potential impact of this missense change. The variant allele was found at a frequency of 4e-05 in 251466 control chromosomes. This frequency is not significantly higher than estimated for disease-causing variants in MYLK, allowing no conclusion about variant significance. c.4343A>T has been observed at least once in a cohort of individuals affected with thoracic aortic aneurysm, without strong evidence for causality (Chen_2024). This report does not provide unequivocal conclusions about association of the variant with MYLK-related conditions. To our knowledge, no experimental evidence demonstrating an impact on protein function has been reported. The following publication have been ascertained in the context of this evaluation (PMID: 38958128). ClinVar contains an entry for this variant (Variation ID: 452831). Based on the evidence outlined above, the variant was classified as uncertain significance.

Ambry Genetics
Classification: Uncertain significance for Familial thoracic aortic aneurysm and aortic dissection. Last evaluated: 2025-12-10. Review status: criteria provided, single submitter. Criteria: Ambry Variant Classification Scheme 2023. Collection method: clinical testing. Allele origin: germline.
Comment: The p.D1448V variant (also known as c.4343A>T), located in coding exon 23 of the MYLK gene, results from an A to T substitution at nucleotide position 4343. The aspartic acid at codon 1448 is replaced by valine, an amino acid with highly dissimilar properties. This amino acid position is conserved. In addition, the in silico prediction for this alteration is inconclusive. Based on the available evidence, the clinical significance of this variant remains unclear.

Molecular Diagnostic Laboratory for Inherited Cardiovascular Disease, Montreal Heart Institute
Classification: Likely benign. Last evaluated: 2025-04-09. Review status: criteria provided, single submitter. Criteria: ACMG Guidelines, 2015. Collection method: clinical testing. Allele origin: germline. Affected: no.
Comment: BS1, BP4

Labcorp Genetics (formerly Invitae), Labcorp
Classification: Uncertain significance for Aortic aneurysm, familial thoracic 7. Last evaluated: 2023-12-09. Review status: criteria provided, single submitter. Criteria: Invitae Variant Classification Sherloc (09022015). Collection method: clinical testing. Allele origin: germline.
Comment: This sequence change replaces aspartic acid, which is acidic and polar, with valine, which is neutral and non-polar, at codon 1448 of the MYLK protein (p.Asp1448Val). This variant is present in population databases (rs757392371, gnomAD 0.008%). This variant has not been reported in the literature in individuals affected with MYLK-related conditions. ClinVar contains an entry for this variant (Variation ID: 452831). Advanced modeling of protein sequence and biophysical properties (such as structural, functional, and spatial information, amino acid conservation, physicochemical variation, residue mobility, and thermodynamic stability) performed at Invitae indicates that this missense variant is not expected to disrupt MYLK protein function with a negative predictive value of 80%. In summary, the available evidence is currently insufficient to determine the role of this variant in disease. Therefore, it has been classified as a Variant of Uncertain Significance.

GeneDx
Classification: Uncertain significance. Last evaluated: 2020-09-02. Review status: criteria provided, single submitter. Criteria: GeneDx Variant Classification Process June 2021. Collection method: clinical testing. Allele origin: germline. Affected: yes.
Comment: Has not been previously published as pathogenic or benign to our knowledge; In silico analysis supports that this missense variant has a deleterious effect on protein structure/function

Literature cited by the submitters: PubMed 38958128 (cited by Women's Health and Genetics/Laboratory Corporation of America, LabCorp).

NM_053025.4(MYLK):c.4343A>T (p.Asp1448Val)

Gene: MYLK (myosin light chain kinase; minus strand). Cytogenetic location: 3q21.1.
Variant type: single nucleotide variant.
Coding change: c.4343A>T on transcript NM_053025.4 (MANE Select); coding-DNA position 4343, A replaced by T.
Protein change: p.Asp1448Val; replaces aspartic acid 1448 with valine.
Molecular consequence: missense variant.
Genome position (GRCh38, 1-based): chr3:123,649,043, T>A on the plus strand (A>T on the coding strand, the complement: MYLK is on the minus strand). VCF-style: chr3-123649043-T-A. GRCh37 (hg19) VCF-style: chr3-123367890-T-A.
Other names: c.3815A>T, p.Asp1272Val (NM_001321309.2); c.4136A>T, p.Asp1379Val (NM_053026.4, NM_053028.4); c.4343A>T, p.Asp1448Val (NM_053027.4); short protein forms D1448V, D1379V, D1272V.
Identifiers: ClinVar variation 452831 (VCV000452831.10), dbSNP rs757392371, ClinGen allele CA071495.